The following is an entry in ClinVar:

ClinVar aggregate classification (germline): Uncertain significance (1 of 4 stars; one submission).

Submission:

GeneDx
Classification: Uncertain significance. Last evaluated: 2023-12-18. Review status: criteria provided, single submitter. Criteria: GeneDx Variant Classification Process June 2021. Collection method: clinical testing. Allele origin: germline. Affected: yes.
Comment: Has not been previously published as pathogenic or benign to our knowledge; In silico analysis supports that this missense variant does not alter protein structure/function; Not observed at significant frequency in large population cohorts (gnomAD)

NM_001303052.2(MYT1L):c.134A>G (p.Lys45Arg)

Gene: MYT1L (myelin transcription factor 1 like; minus strand). Cytogenetic location: 2p25.3.
Variant type: single nucleotide variant.
Coding change: c.134A>G on transcript NM_001303052.2 (MANE Select); coding-DNA position 134, A replaced by G.
Protein change: p.Lys45Arg; replaces lysine 45 with arginine.
Molecular consequence: missense variant.
Genome position (GRCh38, 1-based): chr2:1,979,183, T>C on the plus strand (A>G on the coding strand, the complement: MYT1L is on the minus strand). VCF-style: chr2-1979183-T-C. GRCh37 (hg19) VCF-style: chr2-1982955-T-C.
Other names: c.134A>G, p.Lys45Arg (NM_001329844.2, NM_001329845.1, NM_001329846.3 and 6 more transcripts); short protein forms K45R.
Identifiers: ClinVar variation 3370027 (VCV003370027.1).